The following is an entry in ClinVar:

ClinVar aggregate classification (germline): Uncertain significance (1 of 4 stars; one submission).

Submission:

GeneDx
Classification: Uncertain significance. Last evaluated: 2025-07-11. Review status: criteria provided, single submitter. Criteria: GeneDx Variant Classification Process June 2021. Collection method: clinical testing. Allele origin: germline. Affected: yes.
Comment: Not observed at significant frequency in large population cohorts (gnomAD); In silico analysis supports that this missense variant has a deleterious effect on protein structure/function; Has not been previously published as pathogenic or benign to our knowledge; This variant is associated with the following publications: (PMID: 27532257, 29300372)

NM_000257.4(MYH7):c.782C>A (p.Ala261Glu)

Gene: MYH7 (myosin heavy chain 7; minus strand). Cytogenetic location: 14q11.2.
Variant type: single nucleotide variant.
Coding change: c.782C>A on transcript NM_000257.4 (MANE Select); coding-DNA position 782, C replaced by A.
Protein change: p.Ala261Glu; replaces alanine 261 with glutamic acid.
Molecular consequence: missense variant.
Genome position (GRCh38, 1-based): chr14:23,431,432, G>T on the plus strand (C>A on the coding strand, the complement: MYH7 is on the minus strand). VCF-style: chr14-23431432-G-T. GRCh37 (hg19) VCF-style: chr14-23900641-G-T.
Other names: c.782C>A, p.Ala261Glu (NM_001407004.1); short protein forms A261E.
Identifiers: ClinVar variation 4685295 (VCV004685295.1).